The following is an entry in ClinVar:

ClinVar aggregate classification (germline): Benign (0 of 4 stars; one submission).

Conditions:
BPIFA3-related disorder. Also called: BPIFA3-related condition.

Allele frequency attached by ClinVar (database versions not stated): gnomAD exomes 0.00057; ExAC 0.00180; 1000 Genomes Project 30x 0.00531; 1000 Genomes Project 0.00559; ESP Exome Variant Server 0.00592; TOPMed 0.00622.
gnomAD v4.1: 1,780 of 1,614,172 alleles (0.11%); highest among the groups gnomAD compares: African/African-American, 2%; 16 homozygotes.

Submission:

PreventionGenetics, part of Exact Sciences
Classification: Benign for BPIFA3-related condition. Last evaluated: 2021-12-28. Review status: no assertion criteria provided. Collection method: clinical testing. Allele origin: germline.
Comment: This variant is classified as benign based on ACMG/AMP sequence variant interpretation guidelines (Richards et al. 2015 PMID: 25741868, with internal and published modifications).

NM_178466.5(BPIFA3):c.326C>A (p.Ser109Ter)

Genes: BPIFA3 (BPI fold containing family A member 3; plus strand), LOC126863015 (BRD4-independent group 4 enhancer GRCh37_chr20:31811562-31812761; plus strand). Cytogenetic location: 20q11.21.
Variant type: single nucleotide variant.
Coding change: c.326C>A on transcript NM_178466.5 (MANE Select); coding-DNA position 326, C replaced by A.
Protein change: p.Ser109Ter; replaces serine 109 with a stop codon.
Molecular consequence: nonsense. On other transcripts: intron variant (1).
Genome position (GRCh38, 1-based): chr20:33,224,402, C>A. VCF-style: chr20-33224402-C-A. GRCh37 (hg19) VCF-style: chr20-31812208-C-A.
Other names: c.326C>A, p.Ser109Ter (NM_001014978.1); c.278+441C>A (NM_001042439.2); short protein forms S109*.
Identifiers: ClinVar variation 3045464 (VCV003045464.2), dbSNP rs113989803, ClinGen allele CA9815237.